The following is an entry in ClinVar:

NM_000552.5(VWF):c.692C>A (p.Thr231Asn)

Gene: VWF (von Willebrand factor; minus strand). Cytogenetic location: 12p13.31.
Variant type: single nucleotide variant.
Coding change: c.692C>A on transcript NM_000552.5 (MANE Select); coding-DNA position 692, C replaced by A.
Protein change: p.Thr231Asn; replaces threonine 231 with asparagine.
Molecular consequence: missense variant.
Genome position (GRCh38, 1-based): chr12:6,075,517, G>T on the plus strand (C>A on the coding strand, the complement: VWF is on the minus strand). VCF-style: chr12-6075517-G-T. GRCh37 (hg19) VCF-style: chr12-6184683-G-T.
Other names: c.692C>A (NM_000552.4); short protein forms T231N.
Identifiers: ClinVar variation 3383531 (VCV003383531.2).

ClinVar aggregate classification (germline): Uncertain significance. Review status: criteria provided, multiple submitters, no conflicts (2 of 4 stars). 2 submissions from 2 submitters: Uncertain significance (2). Last evaluated 2024-06-27.

gnomAD v4.1: 2 of 1,614,168 alleles (0.00012%); highest among the groups gnomAD compares: Admixed American, 0.0033%; no homozygotes.

Submissions (2):

Quest Diagnostics Nichols Institute San Juan Capistrano
Classification: Uncertain significance. Last evaluated: 2024-06-27. Review status: criteria provided, single submitter. Criteria: Quest Diagnostics criteria. Collection method: clinical testing. Allele origin: unknown.
Comment: The VWF c.692C>A (p.Thr231Asn) variant has not been reported in individuals with VWF-related conditions in the published literature. The frequency of this variant in the general population, 0.000008 (2/250380 chromosomes (Genome Aggregation Database)), is uninformative in the assessment of its pathogenicity. Analysis of this variant using bioinformatics tools for the prediction of the effect of amino acid changes on protein structure and function yielded predictions that this variant is benign. Based on the available information, we are unable to determine the clinical significance of this variant.

GeneDx
Classification: Uncertain significance. Last evaluated: 2024-05-14. Review status: criteria provided, single submitter. Criteria: GeneDx Variant Classification Process June 2021. Collection method: clinical testing. Allele origin: germline. Affected: yes.
Comment: In silico analysis indicates that this missense variant does not alter protein structure/function; Has not been previously published as pathogenic or benign to our knowledge